The following is an entry in ClinVar:

NM_001080449.3(DNA2):c.551T>C (p.Phe184Ser)

Gene: DNA2 (DNA replication helicase/nuclease 2; minus strand). Cytogenetic location: 10q21.3.
Variant type: single nucleotide variant.
Coding change: c.551T>C on transcript NM_001080449.3 (MANE Select); coding-DNA position 551, T replaced by C.
Protein change: p.Phe184Ser; replaces phenylalanine 184 with serine.
Molecular consequence: missense variant. On other transcripts: non-coding transcript variant (1).
Genome position (GRCh38, 1-based): chr10:68,465,703, A>G on the plus strand (T>C on the coding strand, the complement: DNA2 is on the minus strand). VCF-style: chr10-68465703-A-G. GRCh37 (hg19) VCF-style: chr10-70225460-A-G.
Other names: short protein forms F184S.
Identifiers: ClinVar variation 2955242 (VCV002955242.3), dbSNP rs2052318803, ClinGen allele CA376827929.

ClinVar aggregate classification (germline): Uncertain significance (1 of 4 stars; one submission).

Submission:

Labcorp Genetics (formerly Invitae), Labcorp
Classification: Uncertain significance. Last evaluated: 2023-03-16. Review status: criteria provided, single submitter. Criteria: Invitae Variant Classification Sherloc (09022015). Collection method: clinical testing. Allele origin: germline.
Comment: This variant is not present in population databases (gnomAD no frequency). This variant has not been reported in the literature in individuals affected with DNA2-related conditions. Advanced modeling of protein sequence and biophysical properties (such as structural, functional, and spatial information, amino acid conservation, physicochemical variation, residue mobility, and thermodynamic stability) performed at Invitae indicates that this missense variant is not expected to disrupt DNA2 protein function. In summary, the available evidence is currently insufficient to determine the role of this variant in disease. Therefore, it has been classified as a Variant of Uncertain Significance. This sequence change replaces phenylalanine, which is neutral and non-polar, with serine, which is neutral and polar, at codon 184 of the DNA2 protein (p.Phe184Ser).